The following is an entry in ClinVar:

NM_015557.3(CHD5):c.1322A>T (p.His441Leu)

Gene: CHD5 (chromodomain helicase DNA binding protein 5; minus strand). Cytogenetic location: 1p36.31.
Variant type: single nucleotide variant.
Coding change: c.1322A>T on transcript NM_015557.3 (MANE Select); coding-DNA position 1322, A replaced by T.
Protein change: p.His441Leu; replaces histidine 441 with leucine.
Molecular consequence: missense variant.
Genome position (GRCh38, 1-based): chr1:6,148,915, T>A on the plus strand (A>T on the coding strand, the complement: CHD5 is on the minus strand). VCF-style: chr1-6148915-T-A. GRCh37 (hg19) VCF-style: chr1-6208975-T-A.
Other names: short protein forms H441L.
Identifiers: ClinVar variation 3731103 (VCV003731103.1).

ClinVar aggregate classification (germline): Uncertain significance (1 of 4 stars; one submission).

gnomAD v4.1: 1 of 1,592,164 alleles (0.000063%); highest among the groups gnomAD compares: East Asian, 0.0023%; no homozygotes.

Submission:

GeneDx
Classification: Uncertain significance. Last evaluated: 2024-08-12. Review status: criteria provided, single submitter. Criteria: GeneDx Variant Classification Process June 2021. Collection method: clinical testing. Allele origin: germline. Affected: yes.
Comment: Not observed at significant frequency in large population cohorts (gnomAD); In silico analysis supports that this missense variant has a deleterious effect on protein structure/function; Has not been previously published as pathogenic or benign to our knowledge